The following is an entry in ClinVar:

NM_001354930.2(RIPK1):c.1599A>G (p.Ile533Met)

Gene: RIPK1 (receptor interacting serine/threonine kinase 1; plus strand). Cytogenetic location: 6p25.2.
Variant type: single nucleotide variant.
Coding change: c.1599A>G on transcript NM_001354930.2 (MANE Select); coding-DNA position 1599, A replaced by G.
Protein change: p.Ile533Met; replaces isoleucine 533 with methionine.
Molecular consequence: missense variant.
Genome position (GRCh38, 1-based): chr6:3,110,825, A>G. VCF-style: chr6-3110825-A-G. GRCh37 (hg19) VCF-style: chr6-3111059-A-G.
Other names: c.1110A>G, p.Ile370Met (NM_001317061.3, NM_001354932.2, NM_001354933.2 and 1 more transcripts); c.1461A>G, p.Ile487Met (NM_001354931.2); c.1599A>G, p.Ile533Met (NM_003804.6); c.1599A>G (NM_003804.3); short protein forms I487M, I370M, I533M.
Identifiers: ClinVar variation 2888299 (VCV002888299.4), dbSNP rs748607019, ClinGen allele CA3618469.

ClinVar aggregate classification (germline): Uncertain significance. Review status: criteria provided, multiple submitters, no conflicts (2 of 4 stars). 2 submissions from 2 submitters: Uncertain significance (2). Last evaluated 2025-08-24.

Conditions:
Inborn genetic diseases. Identifiers: MedGen C0950123, MeSH D030342.

Allele frequency attached by ClinVar (database versions not stated): gnomAD 0.00001; gnomAD exomes below 0.00001; TOPMed 0.00001; ExAC 0.00002.
gnomAD v4.1: 6 of 1,585,246 alleles (0.00038%); highest among the groups gnomAD compares: Admixed American, 0.0067%; no homozygotes.

Submissions (2):

Ambry Genetics
Classification: Uncertain significance for Inborn genetic diseases. Last evaluated: 2025-08-24. Review status: criteria provided, single submitter. Criteria: Ambry Variant Classification Scheme 2023. Collection method: clinical testing. Allele origin: germline.

Labcorp Genetics (formerly Invitae), Labcorp
Classification: Uncertain significance. Last evaluated: 2025-04-26. Review status: criteria provided, single submitter. Criteria: Invitae Variant Classification Sherloc (09022015). Collection method: clinical testing. Allele origin: germline.
Comment: This sequence change replaces isoleucine, which is neutral and non-polar, with methionine, which is neutral and non-polar, at codon 533 of the RIPK1 protein (p.Ile533Met). This variant is present in population databases (rs748607019, gnomAD 0.006%). This variant has not been reported in the literature in individuals affected with RIPK1-related conditions. ClinVar contains an entry for this variant (Variation ID: 2888299). An algorithm developed to predict the effect of missense changes on protein structure and function (PolyPhen-2) suggests that this variant is likely to be disruptive. In summary, the available evidence is currently insufficient to determine the role of this variant in disease. Therefore, it has been classified as a Variant of Uncertain Significance.